The following is an entry in ClinVar:

NM_000035.4(ALDOB):c.*19C>T

Gene: ALDOB (aldolase, fructose-bisphosphate B; minus strand). Cytogenetic location: 9q31.1.
Variant type: single nucleotide variant.
Coding change: c.*19C>T on transcript NM_000035.4 (MANE Select); 19 bases downstream of the stop codon, C replaced by T.
Molecular consequence: 3 prime UTR variant.
Genome position (GRCh38, 1-based): chr9:101,421,790, G>A on the plus strand (C>T on the coding strand, the complement: ALDOB is on the minus strand). VCF-style: chr9-101421790-G-A. GRCh37 (hg19) VCF-style: chr9-104184072-G-A.
Other names: c.*19C>T (LRG_1244t1).
Identifiers: ClinVar variation 383019 (VCV000383019.1), dbSNP rs767816195, ClinGen allele CA5161376.

ClinVar aggregate classification (germline): Likely benign (1 of 4 stars; one submission).

Allele frequency attached by ClinVar (database versions not stated): gnomAD exomes 0.00012; gnomAD 0.00013 and 0.00014; TOPMed 0.00016; ExAC 0.00017.

Submission:

GeneDx
Classification: Likely benign. Last evaluated: 2016-02-16. Review status: criteria provided, single submitter. Criteria: GeneDx Variant Classification (06012015). Collection method: clinical testing. Allele origin: germline. Affected: yes.
Comment: This variant is considered likely benign or benign based on one or more of the following criteria: it is a conservative change, it occurs at a poorly conserved position in the protein, it is predicted to be benign by multiple in silico algorithms, and/or has population frequency not consistent with disease.